The following is an entry in ClinVar:

ClinVar aggregate classification (germline): Uncertain significance (1 of 4 stars; one submission).

gnomAD v4.1: 36 of 1,613,992 alleles (0.0022%); highest among the groups gnomAD compares: African/African-American, 0.04%; no homozygotes.

Submission:

Greenwood Genetic Center Diagnostic Laboratories, Greenwood Genetic Center
Classification: Uncertain significance. Last evaluated: 2024-10-03. Review status: criteria provided, single submitter. Criteria: ACMG Guidelines, 2015. Collection method: clinical testing. Allele origin: germline. Affected: yes.
Comment: PM2, BP4

NM_020987.5(ANK3):c.6981G>A (p.Glu2327=)

Gene: ANK3 (ankyrin 3; minus strand). Cytogenetic location: 10q21.2.
Variant type: single nucleotide variant.
Coding change: c.6981G>A on transcript NM_020987.5 (MANE Select); coding-DNA position 6981, G replaced by A.
Protein change: p.Glu2327=; no amino-acid change (glutamic acid 2327 retained).
Molecular consequence: synonymous variant. On other transcripts: intron variant (4).
Genome position (GRCh38, 1-based): chr10:60,073,900, C>T on the plus strand (G>A on the coding strand, the complement: ANK3 is on the minus strand). VCF-style: chr10-60073900-C-T. GRCh37 (hg19) VCF-style: chr10-61833658-C-T.
Other names: c.4388-5891G>A (NM_001204403.2); c.4409-5891G>A (NM_001204404.2); c.4406-5891G>A (NM_001320874.2); c.1808-5891G>A (NM_001149.4).
Identifiers: ClinVar variation 3765695 (VCV003765695.1).